The following is an entry in ClinVar:

NM_001040108.2(MLH3):c.2569T>C (p.Ser857Pro)

Gene: MLH3 (mutL homolog 3; minus strand). Cytogenetic location: 14q24.3.
Variant type: single nucleotide variant.
Coding change: c.2569T>C on transcript NM_001040108.2 (MANE Select); coding-DNA position 2569, T replaced by C.
Protein change: p.Ser857Pro; replaces serine 857 with proline.
Molecular consequence: missense variant.
Genome position (GRCh38, 1-based): chr14:75,047,087, A>G on the plus strand (T>C on the coding strand, the complement: MLH3 is on the minus strand). VCF-style: chr14-75047087-A-G. GRCh37 (hg19) VCF-style: chr14-75513790-A-G.
Other names: c.2569T>C, p.Ser857Pro (NM_014381.3); short protein forms S857P.
Identifiers: ClinVar variation 1793205 (VCV001793205.3), dbSNP rs151186971, ClinGen allele CA7275680.
Genomic context (GRCh38, chr14:75,047,087, plus strand): 5'-ATTTAGAGGCTAGTGATTCAGATGACTTCTCAAGGTCCAAAGGTTTTCTATTAAAGAGAG[A>G]TAACTCCTTCAGGGTCATAGGACTTTCTCTCAAACTAGGCATCTGTTGTTCTAAACAATC-3'
Protein context (NP_001035197.1, residues 847-867): RESPMTLKEL[Ser857Pro]LFNRKPLDLE

ClinVar aggregate classification (germline): Uncertain significance (1 of 4 stars; one submission).

Allele frequency attached by ClinVar (database versions not stated): gnomAD exomes below 0.00001; ExAC 0.00001; ESP Exome Variant Server 0.00008.
gnomAD v4.1: 1 of 1,614,182 alleles (0.000062%); highest among the groups gnomAD compares: East Asian, 0.0022%; no homozygotes.

Submission:

Ambry Genetics
Classification: Uncertain significance. Last evaluated: 2025-02-26. Review status: criteria provided, single submitter. Criteria: Ambry Variant Classification Scheme 2023. Collection method: clinical testing. Allele origin: germline.
Comment: The p.S857P variant (also known as c.2569T>C), located in coding exon 1 of the MLH3 gene, results from a T to C substitution at nucleotide position 2569. The serine at codon 857 is replaced by proline, an amino acid with similar properties. This amino acid position is conserved. In addition, this alteration is predicted to be tolerated by in silico analysis. Since supporting evidence is limited at this time, the clinical significance of this alteration remains unclear.